The following continues an entry in ClinVar:

NM_000500.9(CYP21A2):c.1069C>T (p.Arg357Trp)

ClinVar aggregate classification (germline): Pathogenic. Pathogenic (18).

Submissions 12 to 21 of 21:

Clinical Genetics Laboratory, Skane University Hospital Lund
Classification: Pathogenic. Last evaluated: 2022-08-18. Review status: criteria provided, single submitter. Criteria: ACMG Guidelines, 2015. Collection method: clinical testing. Allele origin: germline. Affected: yes.

Newborn Screening Ontario, Children's Hospital of Eastern Ontario (CHEO)
Classification: Pathogenic for 21-Hydroxylase-Deficient Congenital Adrenal Hyperplasia. Last evaluated: 2022-06-01. Review status: criteria provided, single submitter. Criteria: ACMG Guidelines, 2015. Collection method: clinical testing. Allele origin: germline. Inheritance: Autosomal recessive inheritance.

Fulgent Genetics
Classification: Pathogenic for 21-Hydroxylase-Deficient Congenital Adrenal Hyperplasia. Last evaluated: 2022-03-15. Review status: criteria provided, single submitter. Criteria: ACMG Guidelines, 2015. Collection method: clinical testing. Allele origin: unknown.

Dasa
Classification: Pathogenic for 21-Hydroxylase-Deficient Congenital Adrenal Hyperplasia. Last evaluated: 2022-01-05. Review status: criteria provided, single submitter. Criteria: ACMG Guidelines, 2015. Collection method: clinical testing. Allele origin: germline. Affected: yes. Observed: 1 variant allele.
Comment: The c.1069C>T;p.(Arg357Trp) missense variant has been observed in affected individual(s) and ClinVar contains an entry for this variant (ClinVar ID: 12152; OMIM: 613815.0003; PMID: 20301350; 10720040; 26804566; 26206692; 25227725; 24904866; 24077358; 23359698; 23166432; 21329531; 10496074; 9215318; 9215318; 30968594; 29996815; 26804566; 20301350; 26206692) - PS4. Well-established in vitro or in vivo functional studies support a damaging effect on the gene or gene product (PMID: 2303461, 21134444, 1644925) - PS3_moderate. The p.(Arg357Trp) was detected in trans with a pathogenic variant (PMID: 30968594; 29996815; 26804566; 26206692) - PM3_strong. Pathogenic missense variant in this residue have been reported (Clinvar ID: 988494) - PM5. The variant co-segregated with disease in multiple affected family members (PMID: 29996815; 27041116) - PP1. Multiple lines of computational evidence support a deleterious effect on the gene or gene product - PP3. In summary, the currently available evidence indicates that the variant is pathogenic.

Myriad Genetics, Inc.
Classification: Pathogenic for 21-Hydroxylase-Deficient Congenital Adrenal Hyperplasia. Last evaluated: 2019-12-20. Review status: criteria provided, single submitter. Criteria: Myriad Women's Health Autosomal Recessive and X-Linked Classification Criteria (2019). Collection method: clinical testing. Allele origin: unknown.
Comment: NM_000500.7(CYP21A2):c.1069C>T(R357W) is classified as pathogenic in the context of congenital adrenal hyperplasia and is associated with the classic form of the disease. Sources cited for classification include the following: PMID 21134444, 10496074 and 23359698. Classification of NM_000500.7(CYP21A2):c.1069C>T(R357W) is based on the following criteria: This is a well-established pathogenic variant in the literature that has been observed more frequently in patients with clinical diagnoses than in healthy populations. Please note: this variant was assessed in the context of healthy population screening.

Clinical Genetics and Genomics, Karolinska University Hospital
Classification: Pathogenic. Last evaluated: 2015-09-17. Review status: criteria provided, single submitter. Criteria: ACMG Guidelines, 2015. Collection method: clinical testing. Allele origin: germline. Affected: yes. Observed: 16 variant alleles.

Juno Genomics, Hangzhou Juno Genomics, Inc
Classification: Pathogenic for 21-Hydroxylase-Deficient Congenital Adrenal Hyperplasia. Review status: criteria provided, single submitter. Criteria: ACMG Guidelines, 2015. Collection method: clinical testing. Allele origin: germline. Affected: yes.
Comment: For recessive disorders, detected in trans with a pathogenic variant.;Absent from controls (or at extremely low frequency if recessive) in Genome Aggregation Database, Exome Sequencing Project, 1000 Genomes Project, or Exome Aggregation Consortium.;Patient's phenotype or family history is highly specific for a disease with a single genetic etiology.

OMIM
Classification: Pathogenic for ADRENAL HYPERPLASIA, CONGENITAL, DUE TO 21-HYDROXYLASE DEFICIENCY, CLASSIC TYPE. Last evaluated: 1997-07-01. Review status: no assertion criteria provided. Collection method: literature only. Allele origin: germline. Not counted in ClinVar's aggregate classification.

GeneReviews
No classification provided. Condition: 21-Hydroxylase-Deficient Congenital Adrenal Hyperplasia. Review status: no classification provided. Collection method: literature only. Allele origin: unknown. Not counted in ClinVar's aggregate classification.

Lifecell International Pvt. Ltd
Classification: Pathogenic for 21-Hydroxylase-Deficient Congenital Adrenal Hyperplasia. Review status: no assertion criteria provided. Collection method: clinical testing. Allele origin: germline. Inheritance: Autosomal recessive inheritance. Affected: yes. Observed: 1 homozygote. Not counted in ClinVar's aggregate classification.

Literature cited by the submitters: PubMed 2303461 (cited by 5 submitters); PubMed 23359698 (cited by 4 submitters); PubMed 25227725 (cited by 3 submitters); PubMed 26804566 (cited by 3 submitters); PubMed 21134444 (cited by 4 submitters); PubMed 26206692 (cited by 3 submitters); PubMed 9099839 (cited by 3billion); PubMed 21329531 (cited by 3 submitters); PubMed 14513879 (cited by Athena Diagnostics); PubMed 24077358 (cited by Athena Diagnostics and Dasa); PubMed 23166432 (cited by Athena Diagnostics and Dasa); PubMed 24904866 (cited by Athena Diagnostics and Dasa); PubMed 9215318 (cited by 3 submitters); PubMed 1496017 (cited by Athena Diagnostics and OMIM); PubMed 10496074 (cited by 3 submitters); PubMed 30968594 (cited by Athena Diagnostics and Dasa); PubMed 29996815 (cited by Athena Diagnostics and Dasa); PubMed 20301350 (cited by Dasa and GeneReviews); PubMed 10720040 (cited by Dasa); PubMed 1644925 (cited by Dasa); PubMed 28741757 (cited by Dasa); NCBI Bookshelf NBK1171 (cited by GeneReviews).